The following is an entry in ClinVar:

ClinVar aggregate classification (germline): Uncertain significance (1 of 4 stars; one submission).

Submission:

Labcorp Genetics (formerly Invitae), Labcorp
Classification: Uncertain significance. Last evaluated: 2024-09-14. Review status: criteria provided, single submitter. Criteria: Invitae Variant Classification Sherloc (09022015). Collection method: clinical testing. Allele origin: germline.
Comment: This sequence change replaces glutamic acid, which is acidic and polar, with glycine, which is neutral and non-polar, at codon 570 of the KCNQ5 protein (p.Glu570Gly). This variant is not present in population databases (gnomAD no frequency). This variant has not been reported in the literature in individuals affected with KCNQ5-related conditions. Invitae Evidence Modeling of protein sequence and biophysical properties (such as structural, functional, and spatial information, amino acid conservation, physicochemical variation, residue mobility, and thermodynamic stability) indicates that this missense variant is expected to disrupt KCNQ5 protein function with a positive predictive value of 80%. In summary, the available evidence is currently insufficient to determine the role of this variant in disease. Therefore, it has been classified as a Variant of Uncertain Significance.

NM_019842.4(KCNQ5):c.1652A>G (p.Glu551Gly)

Gene: KCNQ5 (potassium voltage-gated channel subfamily Q member 5; plus strand). Cytogenetic location: 6q13.
Variant type: single nucleotide variant.
Coding change: c.1652A>G on transcript NM_019842.4 (MANE Select); coding-DNA position 1652, A replaced by G.
Protein change: p.Glu551Gly; replaces glutamic acid 551 with glycine.
Molecular consequence: missense variant.
Genome position (GRCh38, 1-based): chr6:73,190,647, A>G. VCF-style: chr6-73190647-A-G. GRCh37 (hg19) VCF-style: chr6-73900370-A-G.
Other names: c.1625A>G, p.Glu542Gly (NM_001160130.2); c.1682A>G, p.Glu561Gly (NM_001160132.2); c.1709A>G, p.Glu570Gly (NM_001160133.2); c.1322A>G, p.Glu441Gly (NM_001160134.2); short protein forms E441G, E542G, E561G, E570G, E551G.
Identifiers: ClinVar variation 3698927 (VCV003698927.2).